The following is an entry in ClinVar:

ClinVar aggregate classification (germline): Uncertain significance. Review status: criteria provided, multiple submitters, no conflicts (2 of 4 stars). 2 submissions from 2 submitters: Uncertain significance (2). Last evaluated 2025-04-11.

Conditions:
Episodic ataxia type 1 (EA1). Also called: ATAXIA, EPISODIC, WITH MYOKYMIA; MYOKYMIA WITH PERIODIC ATAXIA; PAROXYSMAL ATAXIA WITH NEUROMYOTONIA, HEREDITARY; Episodic ataxia/myokymia syndrome. Identifiers: Orphanet 37612, Orphanet 972, MedGen C1719788, MONDO:0008047, OMIM 160120.

Submissions (2):

GeneDx
Classification: Uncertain significance. Last evaluated: 2025-04-11. Review status: criteria provided, single submitter. Criteria: GeneDx Variant Classification Process June 2021. Collection method: clinical testing. Allele origin: germline. Affected: yes.
Comment: Not observed at significant frequency in large population cohorts (gnomAD); In silico analysis supports that this missense variant has a deleterious effect on protein structure/function; Has not been previously published as pathogenic or benign to our knowledge

Labcorp Genetics (formerly Invitae), Labcorp
Classification: Uncertain significance for Episodic ataxia type 1. Last evaluated: 2024-03-20. Review status: criteria provided, single submitter. Criteria: Invitae Variant Classification Sherloc (09022015). Collection method: clinical testing. Allele origin: germline.
Comment: This sequence change replaces glutamic acid, which is acidic and polar, with lysine, which is basic and polar, at codon 161 of the KCNA1 protein (p.Glu161Lys). This variant is not present in population databases (gnomAD no frequency). This variant has not been reported in the literature in individuals affected with KCNA1-related conditions. Advanced modeling of protein sequence and biophysical properties (such as structural, functional, and spatial information, amino acid conservation, physicochemical variation, residue mobility, and thermodynamic stability) performed at Invitae indicates that this missense variant is not expected to disrupt KCNA1 protein function with a negative predictive value of 80%. In summary, the available evidence is currently insufficient to determine the role of this variant in disease. Therefore, it has been classified as a Variant of Uncertain Significance.

NM_000217.3(KCNA1):c.481G>A (p.Glu161Lys)

Gene: KCNA1 (potassium voltage-gated channel subfamily A member 1; plus strand). Cytogenetic location: 12p13.32.
Variant type: single nucleotide variant.
Coding change: c.481G>A on transcript NM_000217.3 (MANE Select); coding-DNA position 481, G replaced by A.
Protein change: p.Glu161Lys; replaces glutamic acid 161 with lysine.
Molecular consequence: missense variant.
Genome position (GRCh38, 1-based): chr12:4,911,859, G>A. VCF-style: chr12-4911859-G-A. GRCh37 (hg19) VCF-style: chr12-5021025-G-A.
Other names: c.481G>A (NM_000217.2); short protein forms E161K.
Identifiers: ClinVar variation 2711151 (VCV002711151.4), dbSNP rs754013861, ClinGen allele CA383454661.
Genomic context (GRCh38, chr12:4,911,859, plus strand): 5'-GAGCGCCCTCTGCCCGAGAAGGAGTACCAGCGCCAGGTGTGGCTGCTCTTCGAGTACCCC[G>A]AGAGCTCGGGGCCCGCCAGGGTCATCGCCATCGTCTCCGTCATGGTCATCCTCATCTCCA-3'
Protein context (NP_000208.2, residues 151-171): RQVWLLFEYP[Glu161Lys]SSGPARVIAI